The following is an entry in ClinVar:

NM_022124.6(CDH23):c.9766C>T (p.Pro3256Ser)

Gene: CDH23 (cadherin related 23; plus strand). Cytogenetic location: 10q22.1.
Variant type: single nucleotide variant.
Coding change: c.9766C>T on transcript NM_022124.6 (MANE Select); coding-DNA position 9766, C replaced by T.
Protein change: p.Pro3256Ser; replaces proline 3256 with serine.
Molecular consequence: missense variant.
Genome position (GRCh38, 1-based): chr10:71,814,979, C>T. VCF-style: chr10-71814979-C-T. GRCh37 (hg19) VCF-style: chr10-73574736-C-T.
Other names: c.3046C>T, p.Pro1016Ser (NM_001171933.1); c.2941C>T, p.Pro981Ser (NM_001171934.1); c.457C>T, p.Pro153Ser (NM_001171935.1); c.352C>T, p.Pro118Ser (NM_001171936.1); short protein forms P981S, P1016S, P153S, P3256S, P118S.
Identifiers: ClinVar variation 1906433 (VCV001906433.2), dbSNP rs1842082621, ClinGen allele CA377137910.

ClinVar aggregate classification (germline): Uncertain significance (1 of 4 stars; one submission).

Allele frequency attached by ClinVar (database versions not stated): gnomAD exomes below 0.00001; TOPMed below 0.00001.
gnomAD v4.1: 2 of 1,612,308 alleles (0.00012%); highest among the groups gnomAD compares: Admixed American, 0.0033%; no homozygotes.

Submission:

Labcorp Genetics (formerly Invitae), Labcorp
Classification: Uncertain significance. Last evaluated: 2022-08-19. Review status: criteria provided, single submitter. Criteria: Invitae Variant Classification Sherloc (09022015). Collection method: clinical testing. Allele origin: germline.
Comment: This sequence change replaces proline, which is neutral and non-polar, with serine, which is neutral and polar, at codon 3256 of the CDH23 protein (p.Pro3256Ser). This variant is not present in population databases (gnomAD no frequency). This variant has not been reported in the literature in individuals affected with CDH23-related conditions. Algorithms developed to predict the effect of missense changes on protein structure and function output the following: SIFT: "Tolerated"; PolyPhen-2: "Not Available"; Align-GVGD: "Class C0". The serine amino acid residue is found in multiple mammalian species, which suggests that this missense change does not adversely affect protein function. In summary, the available evidence is currently insufficient to determine the role of this variant in disease. Therefore, it has been classified as a Variant of Uncertain Significance.